The following is an entry in ClinVar:

NM_001365999.1(SZT2):c.3742G>T (p.Ala1248Ser)

Gene: SZT2 (SZT2 subunit of KICSTOR complex; plus strand). Cytogenetic location: 1p34.2.
Variant type: single nucleotide variant.
Coding change: c.3742G>T on transcript NM_001365999.1 (MANE Select); coding-DNA position 3742, G replaced by T.
Protein change: p.Ala1248Ser; replaces alanine 1248 with serine.
Molecular consequence: missense variant.
Genome position (GRCh38, 1-based): chr1:43,427,673, G>T. VCF-style: chr1-43427673-G-T. GRCh37 (hg19) VCF-style: chr1-43893344-G-T.
Other names: c.3571G>T, p.Ala1191Ser (NM_015284.4); short protein forms A1191S, A1248S.
Identifiers: ClinVar variation 660937 (VCV000660937.11), dbSNP rs369058885, ClinGen allele CA809076.

ClinVar aggregate classification (germline): Uncertain significance. Review status: criteria provided, multiple submitters, no conflicts (2 of 4 stars). 3 submissions from 3 submitters: Uncertain significance (3). Last evaluated 2025-11-14.

Allele frequency attached by ClinVar (database versions not stated): gnomAD 0.00001; ExAC 0.00002; gnomAD exomes 0.00002; TOPMed 0.00002; ESP Exome Variant Server 0.00008.
gnomAD v4.1: 17 of 1,614,066 alleles (0.0011%); highest among the groups gnomAD compares: Admixed American, 0.005%; no homozygotes.

Submissions (3):

Women's Health and Genetics/Laboratory Corporation of America, LabCorp
Classification: Uncertain significance. Last evaluated: 2025-11-14. Review status: criteria provided, single submitter. Criteria: LabCorp Variant Classification Summary - May 2015. Collection method: clinical testing. Allele origin: germline.
Comment: Variant summary: SZT2 c.3571G>T (p.Ala1191Ser) results in a conservative amino acid change in the encoded protein sequence. Algorithms developed to predict the effect of missense changes on protein structure and function all suggest that this variant is likely to be tolerated. The variant allele was found at a frequency of 1.6e-05 in 251418 control chromosomes. The available data on variant occurrences in the general population are insufficient to allow any conclusion about variant significance. To our knowledge, no occurrence of c.3571G>T in individuals affected with SZT2-related conditions and no experimental evidence demonstrating its impact on protein function have been reported. ClinVar contains an entry for this variant (Variation ID: 660937). Based on the evidence outlined above, the variant was classified as uncertain significance.

Labcorp Genetics (formerly Invitae), Labcorp
Classification: Uncertain significance. Last evaluated: 2024-12-09. Review status: criteria provided, single submitter. Criteria: Invitae Variant Classification Sherloc (09022015). Collection method: clinical testing. Allele origin: germline.
Comment: This sequence change replaces alanine, which is neutral and non-polar, with serine, which is neutral and polar, at codon 1191 of the SZT2 protein (p.Ala1191Ser). This variant is present in population databases (rs369058885, gnomAD 0.003%). This variant has not been reported in the literature in individuals affected with SZT2-related conditions. ClinVar contains an entry for this variant (Variation ID: 660937). Invitae Evidence Modeling of protein sequence and biophysical properties (such as structural, functional, and spatial information, amino acid conservation, physicochemical variation, residue mobility, and thermodynamic stability) indicates that this missense variant is not expected to disrupt SZT2 protein function with a negative predictive value of 80%. In summary, the available evidence is currently insufficient to determine the role of this variant in disease. Therefore, it has been classified as a Variant of Uncertain Significance.

Blueprint Genetics
Classification: Uncertain significance. Last evaluated: 2024-10-31. Review status: criteria provided, single submitter. Criteria: ACMG Guidelines, 2015. Collection method: clinical testing. Allele origin: germline.